The following is an entry in ClinVar:

NM_000070.3(CAPN3):c.1504_1505del (p.Ile502fs)

Gene: CAPN3 (calpain 3; plus strand). Cytogenetic location: 15q15.1.
Variant type: Deletion.
Coding change: c.1504_1505del on transcript NM_000070.3 (MANE Select); coding-DNA positions 1504 to 1505, 2 bases deleted (AT; older notation c.1504_1505delAT).
Protein change: p.Ile502fs; shifts the reading frame from isoleucine 502.
Molecular consequence: frameshift variant.
Genome position (GRCh38, 1-based): chr15:42,401,790-42,401,791, AT deleted. VCF-style (leftmost placement, unchanged base first): chr15-42401789-CAT-C. GRCh37 (hg19) VCF-style: chr15-42693987-CAT-C.
Other names: c.1504_1505del, p.Ile502fs (NM_024344.2); c.1360_1361del, p.Ile454fs (NM_173087.2); short protein forms I454fs, I502fs.
Identifiers: ClinVar variation 1694740 (VCV001694740.31), dbSNP rs2141199913, ClinGen allele CA2580089416.

ClinVar aggregate classification (germline): Pathogenic (1 of 4 stars; one submission).

Submission:

CeGaT Center for Human Genetics Tuebingen
Classification: Pathogenic. Last evaluated: 2022-06-01. Review status: criteria provided, single submitter. Criteria: CeGaT Center For Human Genetics Tuebingen Variant Classification Criteria Version 2. Collection method: clinical testing. Allele origin: germline. Affected: yes. Observed: 1 variant allele.
Comment: CAPN3: PVS1, PM2